The following is an entry in ClinVar:

NM_017612.5(ZCCHC8):c.2041T>C (p.Ser681Pro)

Gene: ZCCHC8 (zinc finger CCHC-type containing 8; minus strand). Cytogenetic location: 12q24.31.
Variant type: single nucleotide variant.
Coding change: c.2041T>C on transcript NM_017612.5 (MANE Select); coding-DNA position 2041, T replaced by C.
Protein change: p.Ser681Pro; replaces serine 681 with proline.
Molecular consequence: missense variant.
Genome position (GRCh38, 1-based): chr12:122,473,580, A>G on the plus strand (T>C on the coding strand, the complement: ZCCHC8 is on the minus strand). VCF-style: chr12-122473580-A-G. GRCh37 (hg19) VCF-style: chr12-122958127-A-G.
Other names: c.1810T>C, p.Ser604Pro (NM_001350935.2); c.1744T>C, p.Ser582Pro (NM_001350936.2); c.1327T>C, p.Ser443Pro (NM_001350937.2, NM_001350938.2); short protein forms S443P, S582P, S604P, S681P.
Identifiers: ClinVar variation 2125115 (VCV002125115.4), dbSNP rs2547193631, ClinGen allele CA387047110.
Genomic context (GRCh38, chr12:122,473,580, plus strand): 5'-TCTGCTGGTTTCGGGGTGAGTTCTTTAACAAGCTTCTTATCCTGAGGTACATTCCAGTAG[A>G]TTCTGCCATATTCTCAAATTCAAATGGCGTGATTCCAGTTGCAAATTTGCTCATGTCAGG-3'
Protein context (NP_060082.2, residues 671-691): TPFEFENMAE[Ser681Pro]TGMYLRIRSL

ClinVar aggregate classification (germline): Uncertain significance (1 of 4 stars; one submission).

Submission:

Labcorp Genetics (formerly Invitae), Labcorp
Classification: Uncertain significance. Last evaluated: 2022-04-12. Review status: criteria provided, single submitter. Criteria: Invitae Variant Classification Sherloc (09022015). Collection method: clinical testing. Allele origin: germline.
Comment: In summary, the available evidence is currently insufficient to determine the role of this variant in disease. Therefore, it has been classified as a Variant of Uncertain Significance. Algorithms developed to predict the effect of missense changes on protein structure and function are either unavailable or do not agree on the potential impact of this missense change (SIFT: "Deleterious"; PolyPhen-2: "Not Available"; Align-GVGD: "Class C0"). This variant has not been reported in the literature in individuals affected with ZCCHC8-related conditions. This variant is not present in population databases (gnomAD no frequency). This sequence change replaces serine, which is neutral and polar, with proline, which is neutral and non-polar, at codon 681 of the ZCCHC8 protein (p.Ser681Pro).